The following is an entry in ClinVar:

NM_152564.5(VPS13B):c.4870G>T (p.Glu1624Ter)

Gene: VPS13B (vacuolar protein sorting 13 homolog B; plus strand). Cytogenetic location: 8q22.2.
Variant type: single nucleotide variant.
Coding change: c.4870G>T on transcript NM_152564.5 (MANE Select); coding-DNA position 4870, G replaced by T.
Protein change: p.Glu1624Ter; replaces glutamic acid 1624 with a stop codon.
Molecular consequence: nonsense.
Genome position (GRCh38, 1-based): chr8:99,556,574, G>T. VCF-style: chr8-99556574-G-T. GRCh37 (hg19) VCF-style: chr8-100568802-G-T.
Other names: c.4945G>T, p.Glu1649Ter (NM_017890.5); short protein forms E1624*, E1649*.
Identifiers: ClinVar variation 4815955 (VCV004815955.1).

ClinVar aggregate classification (germline): Likely pathogenic (1 of 4 stars; one submission).

Conditions:
Cohen syndrome (COH1). Also called: PEPPER SYNDROME; Cutis verticis gyrata, retinitis pigmentosa, and sensorineural deafness. Identifiers: Orphanet 193, MedGen C0265223, MONDO:0008999, OMIM 216550.

Submission:

Natera, Inc.
Classification: Likely pathogenic for Cohen syndrome. Last evaluated: 2025-11-27. Review status: criteria provided, single submitter. Criteria: Natera Variant Classification Schema (03/2026). Collection method: clinical testing. Allele origin: germline.
Comment: The c.4945G>T variant in VPS13B is a nonsense variant predicted to introduce a stop codon at amino acid 1649. This variant is expected to result in nonsense mediated decay, truncation, or a dysfunctional protein product. This variant is rare in the general population with a frequency below the threshold expected for the associated phenotype(s). Given the available evidence, this variant is classified as Likely Pathogenic.